The following is an entry in ClinVar:

NM_001005242.3(PKP2):c.457G>A (p.Asp153Asn)

Gene: PKP2 (plakophilin 2; minus strand). Cytogenetic location: 12p11.21.
Variant type: single nucleotide variant.
Coding change: c.457G>A on transcript NM_001005242.3 (MANE Select); coding-DNA position 457, G replaced by A.
Protein change: p.Asp153Asn; replaces aspartic acid 153 with asparagine.
Molecular consequence: missense variant.
Genome position (GRCh38, 1-based): chr12:32,878,423, C>T on the plus strand (G>A on the coding strand, the complement: PKP2 is on the minus strand). VCF-style: chr12-32878423-C-T. GRCh37 (hg19) VCF-style: chr12-33031357-C-T.
Other names: p.D153N:GAC>AAC; c.457G>A, p.Asp153Asn (NM_004572.4); short protein forms D153N.
Identifiers: ClinVar variation 201971 (VCV000201971.5), dbSNP rs747856983, ClinGen allele CA012322.

ClinVar aggregate classification (germline): Conflicting classifications of pathogenicity. Review status: criteria provided, conflicting classifications (1 of 4 stars). 4 submissions from 4 submitters: Uncertain significance (3); Likely benign (1). Last evaluated 2025-10-16.

Conditions:
Cardiovascular phenotype. Identifiers: MedGen CN230736.
Arrhythmogenic right ventricular cardiomyopathy (ARVD). Also called: Arrhythmogenic cardiomyopathy; Arrhythmogenic Right Ventricular Cardiomyopathy (ARVC); Cardiomyopathy, ARVC; Arrhythmogenic right ventricular dysplasia. Identifiers: Orphanet 247, MedGen C0349788, MeSH D019571, MONDO:0016587. Disease mechanism: loss of function. Inheritance: Various modes of inheritance.

Allele frequency attached by ClinVar (database versions not stated): gnomAD exomes below 0.00001; ExAC 0.00001; TOPMed 0.00001.

Submissions (4):

Ambry Genetics
Classification: Likely benign for Cardiovascular phenotype. Last evaluated: 2025-10-16. Review status: criteria provided, single submitter. Criteria: Ambry Variant Classification Scheme 2023. Collection method: clinical testing. Allele origin: germline.

All of Us Research Program, National Institutes of Health
Classification: Uncertain significance for Arrhythmogenic right ventricular cardiomyopathy. Last evaluated: 2024-09-23. Review status: criteria provided, single submitter. Criteria: ACMG Guidelines, 2015. Collection method: clinical testing. Allele origin: germline. Inheritance: Autosomal dominant inheritance. Observed: 1 variant allele, 1 heterozygote.
Comment: This study involves interpretation of variants in research participants for the purpose of population health screening. Participant phenotype was not available at the time of variant classification. Additional details can be found in publication PMID: 35346344, PMCID: PMC8962531

Women's Health and Genetics/Laboratory Corporation of America, LabCorp
Classification: Uncertain significance. Last evaluated: 2017-02-20. Review status: criteria provided, single submitter. Criteria: LabCorp Variant Classification Summary - May 2015. Collection method: clinical testing. Allele origin: germline.
Comment: Variant summary: The PKP2 c.457G>A (p.Asp153Asn) variant involves the alteration of a non-conserved nucleotide and is predicted to be benign by 4/4 in silico tools (SNPs&GO not captured due to low reliability index). The variant is located outside of some of the known domains/repeats in PKP2 protein (UniPro, InterPro). This variant was found in 1/121226 control chromosomes from ExAC at a frequency of 0.0000082, which does not exceed the estimated maximal expected allele frequency of a pathogenic PKP2 variant (0.0004301). One clinical diagnostic laboratory has classified this variant as uncertain significance. The variant of interest has not, to our knowledge, been reported in affected individuals via publications, nor evaluated for functional impact by in vivo/vitro studies. Because of the absence of clinical information and the lack of functional studies, the variant is classified as a variant of uncertain significance (VUS) until additional information becomes available.

GeneDx
Classification: Uncertain significance. Last evaluated: 2013-03-05. Review status: criteria provided, single submitter. Criteria: GeneDx Variant Classification (06012015). Collection method: clinical testing. Allele origin: germline. Affected: yes.
Comment: p.Asp153Asn (GAC>AAC): c.457 G>A in exon 3 of the PKP2 gene (NM_004572.3) The Asp153Asn variant in the PKP2 gene has not been reported as a disease-causing mutation or as a benign polymorphism to our knowledge. Asp153Asn results in a semi-conservative amino acid substitution of a negatively charged Aspartic acid with a neutral, polar Asparagine at a position that is conserved in most mammalian species. Mutations in nearby codons (Ser140Phe, Arg158Lys) have been reported in association with ARVC, supporting the functional importance of this region of the protein. The Asp153Asn variant was not observed in approximately 6,500 individuals of European and African American ancestry in the NHLBI Exome Sequencing Project, indicating it is not a common benign variant in these populations. Nevertheless, in silico analysis predicts Asp153Asn is benign to the protein structure/function. With the clinical and molecular information available at this time, we cannot definitively determine if Asp153Asn is a disease-causing mutation or a rare benign variant. The variant is found in ARVC panel(s).